The following is an entry in ClinVar:

NM_206933.4(USH2A):c.4227G>A (p.Gln1409=)

Genes: USH2A (usherin; minus strand), USH2A-AS1 (USH2A antisense RNA 1; plus strand). Cytogenetic location: 1q41.
Variant type: single nucleotide variant.
Coding change: c.4227G>A on transcript NM_206933.4 (MANE Select); coding-DNA position 4227, G replaced by A.
Protein change: p.Gln1409=; no amino-acid change (glutamine 1409 retained).
Molecular consequence: synonymous variant.
Genome position (GRCh38, 1-based): chr1:216,196,577, C>T on the plus strand (G>A on the coding strand, the complement: USH2A is on the minus strand). VCF-style: chr1-216196577-C-T. GRCh37 (hg19) VCF-style: chr1-216369919-C-T.
Other names: c.4227G>A, p.Gln1409= (NM_007123.6); c.4227G>A (NM_206933.2).
Identifiers: ClinVar variation 1151557 (VCV001151557.10), dbSNP rs377203802, ClinGen allele CA37502748.
Genomic context (GRCh38, chr1:216,196,577, plus strand): 5'-CAATTCTGAAAGGACATTAGTTAAAAATAACAATACCTGTGAAAACGCCATGGGAATAGA[C>T]TGTTGAGGTGATTGTTCAGAAAGCATATTGATGTCATACCCCACAACTTTTCCTCTTGTA-3'
Protein context (NP_996816.3, residues 1399-1419): INMLSEQSPQ[Gln1409=]SIPMAFSQLL

ClinVar aggregate classification (germline): Likely benign. Review status: criteria provided, multiple submitters, no conflicts (2 of 4 stars). 2 submissions from 2 submitters: Likely benign (2). Last evaluated 2026-05-28.

Conditions:
USH2A-related disorder. Also called: USH2A-related condition; USH2A-related disorders. Identifiers: MedGen CN239332.

Allele frequency attached by ClinVar (database versions not stated): gnomAD exomes below 0.00001 and 0.00001; TOPMed 0.00003; gnomAD 0.00007 and 0.00009; ESP Exome Variant Server 0.00008.
gnomAD v4.1: 17 of 1,613,498 alleles (0.0011%); highest among the groups gnomAD compares: African/African-American, 0.017%; no homozygotes.

Submissions (2):

PreventionGenetics, part of Exact Sciences
Classification: Likely benign for USH2A-related condition. Last evaluated: 2026-05-28. Review status: criteria provided, single submitter. Criteria: ACMG Guidelines, 2015. Collection method: clinical testing. Allele origin: germline.
Comment: This variant is classified as likely benign based on ACMG/AMP sequence variant interpretation guidelines (Richards et al. 2015 PMID: 25741868, with internal and published modifications).

Labcorp Genetics (formerly Invitae), Labcorp
Classification: Likely benign. Last evaluated: 2025-12-15. Review status: criteria provided, single submitter. Criteria: Invitae Variant Classification Sherloc (09022015). Collection method: clinical testing. Allele origin: germline.